The following is an entry in ClinVar:

NM_153460.4(IL17RC):c.980C>T (p.Ala327Val)

Gene: IL17RC (interleukin 17 receptor C; plus strand). Cytogenetic location: 3p25.3.
Variant type: single nucleotide variant.
Coding change: c.980C>T on transcript NM_153460.4 (MANE Select); coding-DNA position 980, C replaced by T.
Protein change: p.Ala327Val; replaces alanine 327 with valine.
Molecular consequence: missense variant. On other transcripts: non-coding transcript variant (1).
Genome position (GRCh38, 1-based): chr3:9,928,407, C>T. VCF-style: chr3-9928407-C-T. GRCh37 (hg19) VCF-style: chr3-9970091-C-T.
Other names: c.980C>T, p.Ala327Val (NM_001203263.2, NM_001203264.2); c.935C>T, p.Ala312Val (NM_001203265.2, NM_001367280.1, NM_001410711.1 and 1 more transcripts); c.941C>T, p.Ala314Val (NM_001367278.1); c.860C>T, p.Ala287Val (NM_001367279.1); c.1193C>T, p.Ala398Val (NM_153461.4); short protein forms A287V, A312V, A314V, A327V, A398V.
Identifiers: ClinVar variation 3620647 (VCV003620647.2).
Genomic context (GRCh38, chr3:9,928,407, plus strand): 5'-AACTGCTGACCCTGCAGAGCTGGCTGCTGGACGCACCGTGCTCGCTGCCCGCAGAAGCGG[C>T]ACTGTGCTGGCGGGCTCCGGGTGGGGACCCCTGCCAGCCACTGGTCCCACCGCTTTCCTG-3'
Protein context (NP_703190.2, residues 317-337): DAPCSLPAEA[Ala327Val]LCWRAPGGDP

ClinVar aggregate classification (germline): Uncertain significance (1 of 4 stars; one submission).

Conditions:
Candidiasis, familial, 9 (CANDF9). Identifiers: Orphanet 1334, MedGen C4225324, MONDO:0014642, OMIM 616445.

gnomAD v4.1: 1 of 1,606,150 alleles (0.000062%); highest among the groups gnomAD compares: Non-Finnish European, 0.000085%; no homozygotes.

Submission:

Labcorp Genetics (formerly Invitae), Labcorp
Classification: Uncertain significance for Candidiasis, familial, 9. Last evaluated: 2024-10-15. Review status: criteria provided, single submitter. Criteria: Invitae Variant Classification Sherloc (09022015). Collection method: clinical testing. Allele origin: germline.
Comment: This sequence change replaces alanine, which is neutral and non-polar, with valine, which is neutral and non-polar, at codon 398 of the IL17RC protein (p.Ala398Val). This variant is not present in population databases (gnomAD no frequency). This variant has not been reported in the literature in individuals affected with IL17RC-related conditions. An algorithm developed to predict the effect of missense changes on protein structure and function outputs the following: PolyPhen-2: "Benign". The valine amino acid residue is found in multiple mammalian species, which suggests that this missense change does not adversely affect protein function. In summary, the available evidence is currently insufficient to determine the role of this variant in disease. Therefore, it has been classified as a Variant of Uncertain Significance.